The following is an entry in ClinVar:

NM_001384140.1(PCDH15):c.875C>G (p.Pro292Arg)

Gene: PCDH15 (protocadherin related 15; minus strand). Cytogenetic location: 10q21.1.
Variant type: single nucleotide variant.
Coding change: c.875C>G on transcript NM_001384140.1 (MANE Select); coding-DNA position 875, C replaced by G.
Protein change: p.Pro292Arg; replaces proline 292 with arginine.
Molecular consequence: missense variant.
Genome position (GRCh38, 1-based): chr10:54,317,272, G>C on the plus strand (C>G on the coding strand, the complement: PCDH15 is on the minus strand). VCF-style: chr10-54317272-G-C. GRCh37 (hg19) VCF-style: chr10-56077032-G-C.
Other names: NM_001384140.1(PCDH15):c.875C>G; p.Pro292Arg; c.890C>G, p.Pro297Arg (NM_001142763.2, NM_001142769.4, NM_001142771.2); c.875C>G, p.Pro292Arg (NM_001142764.2, NM_001142765.2, NM_001142766.2 and 7 more transcripts); c.764C>G, p.Pro255Arg (NM_001142767.2); c.809C>G, p.Pro270Arg (NM_001142768.2, NM_001142773.2, NM_001354404.2); short protein forms P292R, P270R, P255R, P297R.
Identifiers: ClinVar variation 557886 (VCV000557886.46), dbSNP rs138744579, ClinGen allele CA207580934.

ClinVar aggregate classification (germline): Uncertain significance. Review status: criteria provided, multiple submitters, no conflicts (2 of 4 stars). 5 submissions from 5 submitters: Uncertain significance (4). 1 of the submissions does not count toward it. Last evaluated 2026-04-20.

Conditions:
Usher syndrome type 1F (USH1F). Also called: USHER SYNDROME, TYPE IF. Identifiers: Orphanet 231169, Orphanet 886, MedGen C1865885, MONDO:0011186, OMIM 602083.

Allele frequency attached by ClinVar (database versions not stated): TOPMed 0.00001.
gnomAD v4.1: 9 of 1,612,232 alleles (0.00056%); highest among the groups gnomAD compares: Non-Finnish European, 0.00076%; no homozygotes.

Submissions (5):

GeneDx
Classification: Uncertain significance. Last evaluated: 2026-04-20. Review status: criteria provided, single submitter. Criteria: GeneDx Variant Classification Process June 2021. Collection method: clinical testing. Allele origin: germline.
Comment: Reported with a second variant, phase unknown, in an individual with nonsyndromic hearing loss in the literature (PMID: 24498627); Not observed at significant frequency in large population cohorts (gnomAD); In silico analysis supports that this missense variant has a deleterious effect on protein structure/function; This variant is associated with the following publications: (PMID: 24498627)

Blueprint Genetics
Classification: Uncertain significance. Last evaluated: 2024-11-18. Review status: criteria provided, single submitter. Criteria: ACMG Guidelines, 2015. Collection method: clinical testing. Allele origin: germline.

Broad Center for Mendelian Genomics, Broad Institute of MIT and Harvard
Classification: Uncertain significance for Usher syndrome type 1F. Last evaluated: 2023-01-24. Review status: criteria provided, single submitter. Criteria: ACMG Guidelines, 2015. Collection method: curation. Allele origin: germline. Inheritance: Autosomal recessive inheritance.
Comment: The p.Pro292Arg variant in PCDH15 has been reported in 1 individual with Usher syndrome type 1F (PMID: 24498627) and has been identified in 0.0009% (1/113578) of European (non-Finnish) chromosomes by the Genome Aggregation Database (gnomAD; dbSNP ID: rs138744579). Although this variant has been seen in the general population in a heterozygous state, its frequency is low enough to be consistent with a recessive carrier frequency. This variant has also been reported in ClinVar (Variation ID#: 557886) and has been interpreted as a variant of uncertain significance by Counsyl and CeGaT Center for Human Genetics Tuebingen. Computational prediction tools and conservation analyses do not provide strong support for or against an impact to the protein. In summary, the clinical significance of the p.Pro292Arg variant is uncertain. ACMG/AMP Criteria applied: PM2_supporting (Richards 2015).

CeGaT Center for Human Genetics Tuebingen
Classification: Uncertain significance. Last evaluated: 2019-08-01. Review status: criteria provided, single submitter. Criteria: CeGaT Center For Human Genetics Tuebingen Variant Classification Criteria Version 2. Collection method: clinical testing. Allele origin: germline. Affected: yes. Observed: 1 variant allele.

Counsyl
Classification: Uncertain significance for Usher syndrome type 1F. Last evaluated: 2018-04-16. Review status: no assertion criteria provided. Collection method: clinical testing. Allele origin: unknown. Not counted in ClinVar's aggregate classification.

Literature cited by the submitters: PubMed 24498627 (cited by Counsyl).